The following is an entry in ClinVar:

NM_000271.5(NPC1):c.467T>C (p.Met156Thr)

Gene: NPC1 (NPC intracellular cholesterol transporter 1; minus strand). Cytogenetic location: 18q11.2.
Variant type: single nucleotide variant.
Coding change: c.467T>C on transcript NM_000271.5 (MANE Select); coding-DNA position 467, T replaced by C.
Protein change: p.Met156Thr; replaces methionine 156 with threonine.
Molecular consequence: missense variant.
Genome position (GRCh38, 1-based): chr18:23,561,524, A>G on the plus strand (T>C on the coding strand, the complement: NPC1 is on the minus strand). VCF-style: chr18-23561524-A-G. GRCh37 (hg19) VCF-style: chr18-21141488-A-G.
Other names: short protein forms M156T.
Identifiers: ClinVar variation 285856 (VCV000285856.9), dbSNP rs147615070, ClinGen allele CA8913723.

ClinVar aggregate classification (germline): Uncertain significance. Review status: criteria provided, multiple submitters, no conflicts (2 of 4 stars). 5 submissions from 5 submitters: Uncertain significance (5). Last evaluated 2026-03-06.

Conditions:
NPC1-related disorder. Also called: NPC1-related condition.
Niemann-Pick disease, type C1. Also called: NEUROVISCERAL STORAGE DISEASE WITH VERTICAL SUPRANUCLEAR OPHTHALMOPLEGIA; NIEMANN-PICK DISEASE WITH CHOLESTEROL ESTERIFICATION BLOCK; NIEMANN-PICK DISEASE WITHOUT SPHINGOMYELINASE DEFICIENCY; NIEMANN-PICK DISEASE, CHRONIC NEURONOPATHIC FORM; NIEMANN-PICK DISEASE, VARIANT TYPE C1. Identifiers: Orphanet 646, MedGen C3179455, MONDO:0009757, OMIM 257220.

Allele frequency attached by ClinVar (database versions not stated): gnomAD exomes 0.00012 and 0.00024; ExAC 0.00008; ESP Exome Variant Server 0.00008; gnomAD 0.00009 and 0.00012; TOPMed 0.00010.

Submissions (5):

PreventionGenetics, part of Exact Sciences
Classification: Uncertain significance for NPC1-related condition. Last evaluated: 2026-03-06. Review status: criteria provided, single submitter. Criteria: ACMG Guidelines, 2015. Collection method: clinical testing. Allele origin: germline.
Comment: The NPC1 c.467T>C variant is predicted to result in the amino acid substitution p.Met156Thr. This variant was reported, along with a second heterozygous variant in the same gene, in two sisters who presented with ataxia (supplementary data, Pyle et al. 2015. PubMed ID: 25497598). This variant is reported in 0.036% of alleles in individuals of European (Finnish) descent in gnomAD. At this time, the clinical significance of this variant is uncertain due to the absence of conclusive functional and genetic evidence.

Women's Health and Genetics/Laboratory Corporation of America, LabCorp
Classification: Uncertain significance. Last evaluated: 2025-10-09. Review status: criteria provided, single submitter. Criteria: LabCorp Variant Classification Summary - May 2015. Collection method: clinical testing. Allele origin: germline.
Comment: Variant summary: NPC1 c.467T>C (p.Met156Thr) results in a non-conservative amino acid change in the encoded protein sequence. Algorithms developed to predict the effect of missense changes on protein structure and function are either unavailable or do not agree on the potential impact of this missense change. The variant allele was found at a frequency of 0.00012 in 251432 control chromosomes. This frequency is not significantly higher than estimated for disease-causing variants in NPC1, allowing no conclusion about variant significance. c.467T>C has been observed in individual(s) affected with Cerebellar ataxia (example: Pyle_2025). These report(s) do not provide unequivocal conclusions about association of the variant with Niemann-Pick disease, type C1. To our knowledge, no experimental evidence demonstrating an impact on protein function has been reported. The following publications have been ascertained in the context of this evaluation (PMID: 25497598, 25842391). ClinVar contains an entry for this variant (Variation ID: 285856). Based on the evidence outlined above, the variant was classified as uncertain significance.

Labcorp Genetics (formerly Invitae), Labcorp
Classification: Uncertain significance for Niemann-Pick disease, type C1. Last evaluated: 2022-08-19. Review status: criteria provided, single submitter. Criteria: Invitae Variant Classification Sherloc (09022015). Collection method: clinical testing. Allele origin: germline.
Comment: This sequence change replaces methionine, which is neutral and non-polar, with threonine, which is neutral and polar, at codon 156 of the NPC1 protein (p.Met156Thr). This variant is present in population databases (rs147615070, gnomAD 0.03%). This missense change has been observed in individual(s) with clinical features of NPC1-related conditions (PMID: 25497598). ClinVar contains an entry for this variant (Variation ID: 285856). Algorithms developed to predict the effect of missense changes on protein structure and function are either unavailable or do not agree on the potential impact of this missense change (SIFT: "Deleterious"; PolyPhen-2: "Benign"; Align-GVGD: "Class C25"). In summary, the available evidence is currently insufficient to determine the role of this variant in disease. Therefore, it has been classified as a Variant of Uncertain Significance.

Baylor Genetics
Classification: Uncertain significance for Niemann-Pick disease, type C1. Last evaluated: 2018-04-18. Review status: criteria provided, single submitter. Criteria: ACMG Guidelines, 2015. Collection method: clinical testing. Allele origin: maternal. Affected: yes.
Comment: This variant was determined to be of uncertain significance according to ACMG Guidelines, 2015 [PMID:25741868].

Eurofins Ntd Llc (ga)
Classification: Uncertain significance. Last evaluated: 2016-01-21. Review status: criteria provided, single submitter. Criteria: EGL Classification Definitions 2015. Collection method: clinical testing. Allele origin: germline. Observed: 1 variant allele, 1 heterozygote.

Literature cited by the submitters: PubMed 25497598 (cited by Women's Health and Genetics/Laboratory Corporation of America, LabCorp and Labcorp Genetics (formerly Invitae), Labcorp); PubMed 25842391 (cited by Women's Health and Genetics/Laboratory Corporation of America, LabCorp).